The following is an entry in ClinVar:

ClinVar aggregate classification (germline): Uncertain significance (1 of 4 stars; one submission).

Conditions:
Cockayne syndrome. Identifiers: Orphanet 191, MedGen C0009207, MONDO:0016006.
Xeroderma pigmentosum, group F (XPF). Also called: XERODERMA PIGMENTOSUM, TYPE F; Xeroderma pigmentosum, type 6; ERCC4-Related Xeroderma Pigmentosum; XERODERMA PIGMENTOSUM, COMPLEMENTATION GROUP F; XERODERMA PIGMENTOSUM VI; XP, GROUP F. Identifiers: MedGen C0268140, MONDO:0010215, OMIM 278760.
Fanconi anemia complementation group Q. Identifiers: Orphanet 84, MedGen C3808988, MONDO:0014108, OMIM 615272.

Submission:

Labcorp Genetics (formerly Invitae), Labcorp
Classification: Uncertain significance for Fanconi anemia complementation group Q; Xeroderma pigmentosum, group F; Cockayne syndrome. Last evaluated: 2022-02-23. Review status: criteria provided, single submitter. Criteria: Invitae Variant Classification Sherloc (09022015). Collection method: clinical testing. Allele origin: germline.
Comment: This sequence change replaces proline, which is neutral and non-polar, with leucine, which is neutral and non-polar, at codon 708 of the ERCC4 protein (p.Pro708Leu). This variant is not present in population databases (gnomAD no frequency). This variant has not been reported in the literature in individuals affected with ERCC4-related conditions. Algorithms developed to predict the effect of missense changes on protein structure and function (SIFT, PolyPhen-2, Align-GVGD) all suggest that this variant is likely to be disruptive. In summary, the available evidence is currently insufficient to determine the role of this variant in disease. Therefore, it has been classified as a Variant of Uncertain Significance.

NM_005236.3(ERCC4):c.2123C>T (p.Pro708Leu)

Gene: ERCC4 (ERCC excision repair 4, endonuclease catalytic subunit; plus strand). Cytogenetic location: 16p13.12.
Variant type: single nucleotide variant.
Coding change: c.2123C>T on transcript NM_005236.3 (MANE Select); coding-DNA position 2123, C replaced by T.
Protein change: p.Pro708Leu; replaces proline 708 with leucine.
Molecular consequence: missense variant.
Genome position (GRCh38, 1-based): chr16:13,947,719, C>T. VCF-style: chr16-13947719-C-T. GRCh37 (hg19) VCF-style: chr16-14041576-C-T.
Other names: short protein forms P708L.
Identifiers: ClinVar variation 2102462 (VCV002102462.4), dbSNP rs2141619905, ClinGen allele CA394821971.